The following is an entry in ClinVar:

ClinVar aggregate classification (germline): Uncertain significance (1 of 4 stars; one submission).

Allele frequency attached by ClinVar (database versions not stated): gnomAD 0.00001; gnomAD exomes 0.00001 and 0.00004; TOPMed 0.00002.
gnomAD v4.1: 62 of 1,612,242 alleles (0.0038%); highest among the groups gnomAD compares: Non-Finnish European, 0.0052%; no homozygotes.

Submission:

Labcorp Genetics (formerly Invitae), Labcorp
Classification: Uncertain significance. Last evaluated: 2021-06-28. Review status: criteria provided, single submitter. Criteria: Invitae Variant Classification Sherloc (09022015). Collection method: clinical testing. Allele origin: germline.
Comment: In summary, the available evidence is currently insufficient to determine the role of this variant in disease. Therefore, it has been classified as a Variant of Uncertain Significance. Algorithms developed to predict the effect of missense changes on protein structure and function are either unavailable or do not agree on the potential impact of this missense change (SIFT: "Deleterious"; PolyPhen-2: "Benign"; Align-GVGD: "Class C65"). This sequence change replaces proline with leucine at codon 2845 of the CELSR2 protein (p.Pro2845Leu). The proline residue is highly conserved and there is a moderate physicochemical difference between proline and leucine. The frequency data for this variant in the population databases is considered unreliable, as metrics indicate poor data quality at this position in the ExAC database. This variant has not been reported in the literature in individuals affected with CELSR2-related conditions.

NM_001408.3(CELSR2):c.8534C>T (p.Pro2845Leu)

Gene: CELSR2 (cadherin EGF LAG seven-pass G-type receptor 2; plus strand). Cytogenetic location: 1p13.3.
Variant type: single nucleotide variant.
Coding change: c.8534C>T on transcript NM_001408.3 (MANE Select); coding-DNA position 8534, C replaced by T.
Protein change: p.Pro2845Leu; replaces proline 2845 with leucine.
Molecular consequence: missense variant.
Genome position (GRCh38, 1-based): chr1:109,273,460, C>T. VCF-style: chr1-109273460-C-T. GRCh37 (hg19) VCF-style: chr1-109816082-C-T.
Other names: short protein forms P2845L.
Identifiers: ClinVar variation 1523892 (VCV001523892.8), dbSNP rs777080722, ClinGen allele CA988617.